The following is an entry in ClinVar:

NM_000283.4(PDE6B):c.1832+9C>G

Gene: PDE6B (phosphodiesterase 6B; plus strand). Cytogenetic location: 4p16.3.
Variant type: single nucleotide variant.
Coding change: c.1832+9C>G on transcript NM_000283.4 (MANE Select); 9 bases into the intron after coding-DNA position 1832, C replaced by G.
Molecular consequence: intron variant.
Genome position (GRCh38, 1-based): chr4:662,627, C>G. VCF-style: chr4-662627-C-G. GRCh37 (hg19) VCF-style: chr4-656416-C-G.
Other names: c.1832+9C>G (NM_001145291.2); c.995+9C>G (NM_001379246.1, NM_001379247.1, NM_001145292.2 and 1 more transcripts); c.677+9C>G (NM_001350155.3).
Identifiers: ClinVar variation 1018202 (VCV001018202.9), dbSNP rs1157614814, ClinGen allele CA549263217.

ClinVar aggregate classification (germline): Uncertain significance (1 of 4 stars; one submission).

Allele frequency attached by ClinVar (database versions not stated): gnomAD exomes below 0.00001; TOPMed below 0.00001; gnomAD 0.00001.
gnomAD v4.1: 18 of 1,531,430 alleles (0.0012%); highest among the groups gnomAD compares: African/African-American, 0.0027%; no homozygotes.

Submission:

Labcorp Genetics (formerly Invitae), Labcorp
Classification: Uncertain significance. Last evaluated: 2020-02-04. Review status: criteria provided, single submitter. Criteria: Invitae Variant Classification Sherloc (09022015). Collection method: clinical testing. Allele origin: germline.
Comment: In summary, the available evidence is currently insufficient to determine the role of this variant in disease. Therefore, it has been classified as a Variant of Uncertain Significance. Algorithms developed to predict the effect of sequence changes on RNA splicing suggest that this variant may create or strengthen a splice site, but this prediction has not been confirmed by published transcriptional studies. This variant has not been reported in the literature in individuals with PDE6B-related conditions. This variant is not present in population databases (ExAC no frequency). This sequence change falls in intron 14 of the PDE6B gene. It does not directly change the encoded amino acid sequence of the PDE6B protein.